The following is an entry in ClinVar:

NM_007186.6(CEP250):c.3202C>T (p.Leu1068Phe)

Gene: CEP250 (centrosomal protein 250; plus strand). Cytogenetic location: 20q11.22.
Variant type: single nucleotide variant.
Coding change: c.3202C>T on transcript NM_007186.6 (MANE Select); coding-DNA position 3202, C replaced by T.
Protein change: p.Leu1068Phe; replaces leucine 1068 with phenylalanine.
Molecular consequence: missense variant.
Genome position (GRCh38, 1-based): chr20:35,496,611, C>T. VCF-style: chr20-35496611-C-T. GRCh37 (hg19) VCF-style: chr20-34084440-C-T.
Other names: c.1306C>T, p.Leu436Phe (NM_001318219.1); short protein forms L1068F, L436F.
Identifiers: ClinVar variation 3906596 (VCV003906596.1).

ClinVar aggregate classification (germline): Uncertain significance (1 of 4 stars; one submission).

Submission:

GeneDx
Classification: Uncertain significance. Last evaluated: 2024-12-16. Review status: criteria provided, single submitter. Criteria: GeneDx Variant Classification Process June 2021. Collection method: clinical testing. Allele origin: germline. Affected: yes.
Comment: Not observed at significant frequency in large population cohorts (gnomAD); In silico analysis supports that this missense variant has a deleterious effect on protein structure/function; Has not been previously published as pathogenic or benign to our knowledge